The following is an entry in ClinVar:

NM_015425.6(POLR1A):c.3113C>G (p.Pro1038Arg)

Gene: POLR1A (RNA polymerase I subunit A; minus strand). Cytogenetic location: 2p11.2.
Variant type: single nucleotide variant.
Coding change: c.3113C>G on transcript NM_015425.6 (MANE Select); coding-DNA position 3113, C replaced by G.
Protein change: p.Pro1038Arg; replaces proline 1038 with arginine.
Molecular consequence: missense variant.
Genome position (GRCh38, 1-based): chr2:86,044,161, G>C on the plus strand (C>G on the coding strand, the complement: POLR1A is on the minus strand). VCF-style: chr2-86044161-G-C. GRCh37 (hg19) VCF-style: chr2-86271284-G-C.
Other names: short protein forms P1038R.
Identifiers: ClinVar variation 3672547 (VCV003672547.2).
Genomic context (GRCh38, chr2:86,044,161, plus strand): 5'-ACTGCTCGGCCCCCAGGCTCCGGGATCTAGCACACTACCTCGTAGTTGCTGGCCAGGAAG[G>C]GGAACTGCTTGGGCTGCAGGAACTGTGTCTTGGGGATGTCCAGGCCATCCTCCCCATACA-3'
Protein context (NP_056240.2, residues 1028-1048): KTQFLQPKQF[Pro1038Arg]FLASNYEVIM

ClinVar aggregate classification (germline): Uncertain significance (1 of 4 stars; one submission).

gnomAD v4.1: 2 of 1,614,080 alleles (0.00012%); highest among the groups gnomAD compares: Non-Finnish European, 0.00017%; no homozygotes.

Submission:

Labcorp Genetics (formerly Invitae), Labcorp
Classification: Uncertain significance. Last evaluated: 2024-07-16. Review status: criteria provided, single submitter. Criteria: Invitae Variant Classification Sherloc (09022015). Collection method: clinical testing. Allele origin: germline.
Comment: This sequence change replaces proline, which is neutral and non-polar, with arginine, which is basic and polar, at codon 1038 of the POLR1A protein (p.Pro1038Arg). This variant is not present in population databases (gnomAD no frequency). This variant has not been reported in the literature in individuals affected with POLR1A-related conditions. Advanced modeling of protein sequence and biophysical properties (such as structural, functional, and spatial information, amino acid conservation, physicochemical variation, residue mobility, and thermodynamic stability) performed at Invitae indicates that this missense variant is expected to disrupt POLR1A protein function with a positive predictive value of 80%. In summary, the available evidence is currently insufficient to determine the role of this variant in disease. Therefore, it has been classified as a Variant of Uncertain Significance.